The following is an entry in ClinVar:

ClinVar aggregate classification (germline): Uncertain significance (1 of 4 stars; one submission).

Conditions:
Neurofibromatosis, type 2 (SWNV). Also called: BILATERAL ACOUSTIC NEUROFIBROMATOSIS; NF2-Related Schwannomatosis; SCHWANNOMATOSIS, VESTIBULAR. Identifiers: Orphanet 637, MedGen C0027832, MONDO:0007039, OMIM 101000. Disease mechanism: loss of function.

Submission:

Labcorp Genetics (formerly Invitae), Labcorp
Classification: Uncertain significance for Neurofibromatosis, type 2. Last evaluated: 2022-11-01. Review status: criteria provided, single submitter. Criteria: Invitae Variant Classification Sherloc (09022015). Collection method: clinical testing. Allele origin: germline.
Comment: Experimental studies and prediction algorithms are not available or were not evaluated, and the functional significance of this variant is currently unknown. In summary, the available evidence is currently insufficient to determine the role of this variant in disease. Therefore, it has been classified as a Variant of Uncertain Significance. This variant has been observed in individual(s) with clinical features of neurofibromatosis type 2 (Invitae). This variant is not present in population databases (gnomAD no frequency). This variant, c.370_372del, results in the deletion of 1 amino acid(s) of the NF2 protein (p.Lys124del), but otherwise preserves the integrity of the reading frame.

NM_000268.4(NF2):c.367AAG[1] (p.Lys124del)

Gene: NF2 (NF2, moesin-ezrin-radixin like (MERLIN) tumor suppressor; plus strand). Cytogenetic location: 22q12.2.
Variant type: Microsatellite.
Coding change: c.367AAG[1] on transcript NM_000268.4 (MANE Select); one copy of the 3-base unit AAG starting at c.367; the reference has two copies in a row; one copy, 3 bases deleted.
Protein change: p.Lys124del; deletes lysine 124.
Molecular consequence: inframe deletion. On other transcripts: non-coding transcript variant (1), 5 prime UTR variant (1).
Genome position (GRCh38, 1-based): chr22:29,642,208-29,642,210, AAG deleted; deleting any 3 consecutive bases within chr22:29,642,205-29,642,210 gives the same sequence; the position shown is the placement nearest the transcript's 3' end. VCF-style (leftmost placement, unchanged base first): chr22-29642204-AAAG-A. GRCh37 (hg19) VCF-style: chr22-30038193-AAAG-A.
Other names: c.253AAG[1], p.Lys86del (NM_001407053.1, NM_001407056.1); c.244AAG[1], p.Lys83del (NM_001407054.1, NM_181829.3, NM_001407058.1 and 1 more transcripts); c.241AAG[1], p.Lys82del (NM_001407055.1, NM_181828.3); c.367AAG[1], p.Lys124del (NM_016418.5, NM_181825.3, NM_181832.3 and 5 more transcripts); c.118AAG[1], p.Lys41del (NM_181830.3, NM_181831.3, NM_001407063.1 and 1 more transcripts); c.-274AAG[1] (NM_001407065.1); c.136AAG[1], p.Lys47del (NM_001407067.1); short protein forms K124del, K47del, K86del, K41del, K82del, K83del.
Identifiers: ClinVar variation 2811180 (VCV002811180.3), dbSNP rs2518463234, ClinGen allele CA2739267864.